The following is an entry in ClinVar:

ClinVar aggregate classification (germline): Uncertain significance. Review status: criteria provided, multiple submitters, no conflicts (2 of 4 stars). 2 submissions from 2 submitters: Uncertain significance (2). Last evaluated 2023-10-09.

Conditions:
Hereditary cancer-predisposing syndrome. Also called: Neoplastic Syndromes, Hereditary; Tumor predisposition; Hereditary neoplastic syndrome; Hereditary Cancer Syndrome. Identifiers: Orphanet 140162, MedGen C0027672, MeSH D009386, MONDO:0015356.

Allele frequency attached by ClinVar (database versions not stated): TOPMed below 0.00001.

Submissions (2):

Labcorp Genetics (formerly Invitae), Labcorp
Classification: Uncertain significance. Last evaluated: 2023-10-09. Review status: criteria provided, single submitter. Criteria: Invitae Variant Classification Sherloc (09022015). Collection method: clinical testing. Allele origin: germline.
Comment: This sequence change replaces glutamine, which is neutral and polar, with arginine, which is basic and polar, at codon 384 of the POLE protein (p.Gln384Arg). This variant is not present in population databases (gnomAD no frequency). This variant has not been reported in the literature in individuals affected with POLE-related conditions. ClinVar contains an entry for this variant (Variation ID: 568976). Advanced modeling of protein sequence and biophysical properties (such as structural, functional, and spatial information, amino acid conservation, physicochemical variation, residue mobility, and thermodynamic stability) performed at Invitae indicates that this missense variant is not expected to disrupt POLE protein function. In summary, the available evidence is currently insufficient to determine the role of this variant in disease. Therefore, it has been classified as a Variant of Uncertain Significance.

Ambry Genetics
Classification: Uncertain significance for Hereditary cancer-predisposing syndrome. Last evaluated: 2022-06-01. Review status: criteria provided, single submitter. Criteria: Ambry Variant Classification Scheme 2023. Collection method: clinical testing. Allele origin: germline.
Comment: The p.Q384R variant (also known as c.1151A>G), located in coding exon 12 of the POLE gene, results from an A to G substitution at nucleotide position 1151. The glutamine at codon 384 is replaced by arginine, an amino acid with highly similar properties. This amino acid position is conserved. In addition, this alteration is predicted to be tolerated by in silico analysis. Since supporting evidence is limited at this time, the clinical significance of this alteration remains unclear.

NM_006231.4(POLE):c.1151A>G (p.Gln384Arg)

Gene: POLE (DNA polymerase epsilon, catalytic subunit; minus strand). Cytogenetic location: 12q24.33.
Variant type: single nucleotide variant.
Coding change: c.1151A>G on transcript NM_006231.4 (MANE Select); coding-DNA position 1151, A replaced by G.
Protein change: p.Gln384Arg; replaces glutamine 384 with arginine.
Molecular consequence: missense variant.
Genome position (GRCh38, 1-based): chr12:132,675,473, T>C on the plus strand (A>G on the coding strand, the complement: POLE is on the minus strand). VCF-style: chr12-132675473-T-C. GRCh37 (hg19) VCF-style: chr12-133252059-T-C.
Other names: short protein forms Q384R.
Identifiers: ClinVar variation 568976 (VCV000568976.11), dbSNP rs1565975180, ClinGen allele CA387361014.